The following is an entry in ClinVar:

ClinVar aggregate classification (germline): Likely pathogenic (1 of 4 stars; one submission).

Allele frequency attached by ClinVar (database versions not stated): TOPMed below 0.00001; gnomAD 0.00001.
gnomAD v4.1: 4 of 1,613,482 alleles (0.00025%); highest among the groups gnomAD compares: Non-Finnish European, 0.00034%; no homozygotes.

Submission:

GeneDx
Classification: Likely pathogenic. Last evaluated: 2023-01-25. Review status: criteria provided, single submitter. Criteria: GeneDx Variant Classification Process June 2021. Collection method: clinical testing. Allele origin: germline. Affected: yes.
Comment: Identified in a patient with a clinical diagnosis of Leigh syndrome and reported as c.10420C>T, p.R3474* due to alternate nomenclature (Lee et al., 2020); Nonsense variant predicted to result in protein truncation or nonsense mediated decay in a gene for which loss of function is a known mechanism of disease; Not observed at significant frequency in large population cohorts (gnomAD); This variant is associated with the following publications: (PMID: 32020600)

NM_015378.4(VPS13D):c.10495C>T (p.Arg3499Ter)

Gene: VPS13D (vacuolar protein sorting 13 homolog D; plus strand). Cytogenetic location: 1p36.22.
Variant type: single nucleotide variant.
Coding change: c.10495C>T on transcript NM_015378.4 (MANE Select); coding-DNA position 10495, C replaced by T.
Protein change: p.Arg3499Ter; replaces arginine 3499 with a stop codon.
Molecular consequence: nonsense.
Genome position (GRCh38, 1-based): chr1:12,368,514, C>T. VCF-style: chr1-12368514-C-T. GRCh37 (hg19) VCF-style: chr1-12428569-C-T.
Other names: c.10420C>T, p.Arg3474Ter (NM_018156.4); short protein forms R3474*, R3499*.
Identifiers: ClinVar variation 2574406 (VCV002574406.1), dbSNP rs749096548, ClinGen allele CA338498166.